The following is an entry in ClinVar:

NM_002691.4(POLD1):c.703G>C (p.Gly235Arg)

Gene: POLD1 (DNA polymerase delta 1, catalytic subunit; plus strand). Cytogenetic location: 19q13.33.
Variant type: single nucleotide variant.
Coding change: c.703G>C on transcript NM_002691.4 (MANE Select); coding-DNA position 703, G replaced by C.
Protein change: p.Gly235Arg; replaces glycine 235 with arginine.
Molecular consequence: missense variant. On other transcripts: non-coding transcript variant (1).
Genome position (GRCh38, 1-based): chr19:50,402,318, G>C. VCF-style: chr19-50402318-G-C. GRCh37 (hg19) VCF-style: chr19-50905575-G-C.
Other names: c.703G>C, p.Gly235Arg (NM_001256849.1, NM_001308632.1); c.703G>C (NM_002691.2); short protein forms G235R.
Identifiers: ClinVar variation 1463695 (VCV001463695.9), dbSNP rs1388274211, ClinGen allele CA406974428.

ClinVar aggregate classification (germline): Uncertain significance. Review status: criteria provided, multiple submitters, no conflicts (2 of 4 stars). 2 submissions from 2 submitters: Uncertain significance (2). Last evaluated 2025-01-27.

Conditions:
Hereditary cancer-predisposing syndrome. Also called: Neoplastic Syndromes, Hereditary; Tumor predisposition; Hereditary Cancer Syndrome; Hereditary neoplastic syndrome. Identifiers: Orphanet 140162, MedGen C0027672, MeSH D009386, MONDO:0015356.
POLD1-related polyposis and colorectal cancer syndrome (CRCS10). Also called: Colorectal cancer 10; COLORECTAL CANCER, SUSCEPTIBILITY TO, ON CHROMOSOME 19q; Colorectal cancer, susceptibility to, 10. Identifiers: Orphanet 220460, MedGen C2675481, MONDO:0012953, OMIM 612591.

Submissions (2):

Ambry Genetics
Classification: Uncertain significance for Hereditary cancer-predisposing syndrome. Last evaluated: 2025-01-27. Review status: criteria provided, single submitter. Criteria: Ambry Variant Classification Scheme 2023. Collection method: clinical testing. Allele origin: germline.
Comment: The p.G235R variant (also known as c.703G>C), located in coding exon 5 of the POLD1 gene, results from a G to C substitution at nucleotide position 703. The glycine at codon 235 is replaced by arginine, an amino acid with dissimilar properties. This amino acid position is conserved. In addition, this alteration is predicted to be tolerated by in silico analysis. Based on the available evidence, the clinical significance of this variant remains unclear.

Labcorp Genetics (formerly Invitae), Labcorp
Classification: Uncertain significance for POLD1-related polyposis and colorectal cancer syndrome. Last evaluated: 2023-12-30. Review status: criteria provided, single submitter. Criteria: Invitae Variant Classification Sherloc (09022015). Collection method: clinical testing. Allele origin: germline.
Comment: This sequence change replaces glycine, which is neutral and non-polar, with arginine, which is basic and polar, at codon 235 of the POLD1 protein (p.Gly235Arg). This variant is not present in population databases (gnomAD no frequency). This variant has not been reported in the literature in individuals affected with POLD1-related conditions. ClinVar contains an entry for this variant (Variation ID: 1463695). Advanced modeling of protein sequence and biophysical properties (such as structural, functional, and spatial information, amino acid conservation, physicochemical variation, residue mobility, and thermodynamic stability) performed at Invitae indicates that this missense variant is not expected to disrupt POLD1 protein function with a negative predictive value of 80%. In summary, the available evidence is currently insufficient to determine the role of this variant in disease. Therefore, it has been classified as a Variant of Uncertain Significance.